The following is an entry in ClinVar:

ClinVar aggregate classification (germline): Uncertain significance. Review status: criteria provided, multiple submitters, no conflicts (2 of 4 stars). 4 submissions from 4 submitters: Uncertain significance (4). Last evaluated 2025-12-24.

Conditions:
FOXC1-related disorder. Also called: FOXC1-related condition.
Inborn genetic diseases. Identifiers: MedGen C0950123, MeSH D030342.
Axenfeld-Rieger syndrome type 3 (RIEG3). Also called: AXENFELD-RIEGER ANOMALY WITH CARDIAC DEFECTS AND/OR SENSORINEURAL HEARING LOSS. Identifiers: Orphanet 782, MedGen C2678503, MONDO:0011233, OMIM 602482.
Anterior segment dysgenesis 3 (ASGD3). Also called: IRIDOGONIODYSGENESIS ANOMALY, AUTOSOMAL DOMINANT; Glaucoma iridogoniodysplasia, familial. Identifiers: Orphanet 91483, MedGen C5975707, MONDO:0024456, OMIM 601631.

Allele frequency attached by ClinVar (database versions not stated): gnomAD 0.00002 and 0.00003; TOPMed 0.00005; gnomAD exomes 0.00008; 1000 Genomes Project 30x 0.00016.
gnomAD v4.1: 12 of 1,409,662 alleles (0.00085%); highest among the groups gnomAD compares: Admixed American, 0.016%; no homozygotes.

Submissions (4):

PreventionGenetics, part of Exact Sciences
Classification: Uncertain significance for FOXC1-related condition. Last evaluated: 2025-12-24. Review status: criteria provided, single submitter. Criteria: ACMG Guidelines, 2015. Collection method: clinical testing. Allele origin: germline.
Comment: The FOXC1 c.869C>T variant is predicted to result in the amino acid substitution p.Ser290Phe. To our knowledge, this variant has not been reported in the literature. This variant is reported in 0.043% of alleles in individuals of Latino descent in gnomAD. Although we suspect that this variant may be benign, at this time, the clinical significance of this variant is uncertain due to the absence of conclusive functional and genetic evidence.

Ambry Genetics
Classification: Uncertain significance for Inborn genetic diseases. Last evaluated: 2024-01-19. Review status: criteria provided, single submitter. Criteria: Ambry Variant Classification Scheme 2023. Collection method: clinical testing. Allele origin: germline.

Fulgent Genetics
Classification: Uncertain significance for Anterior segment dysgenesis 3; Axenfeld-Rieger syndrome type 3. Last evaluated: 2024-01-05. Review status: criteria provided, single submitter. Criteria: ACMG Guidelines, 2015. Collection method: clinical testing. Allele origin: germline.

Labcorp Genetics (formerly Invitae), Labcorp
Classification: Uncertain significance for Axenfeld-Rieger syndrome type 3. Last evaluated: 2022-08-15. Review status: criteria provided, single submitter. Criteria: Invitae Variant Classification Sherloc (09022015). Collection method: clinical testing. Allele origin: germline.
Comment: ClinVar contains an entry for this variant (Variation ID: 1351505). This variant has not been reported in the literature in individuals affected with FOXC1-related conditions. This variant is present in population databases (rs775681400, gnomAD 0.05%), and has an allele count higher than expected for a pathogenic variant. This sequence change replaces serine, which is neutral and polar, with phenylalanine, which is neutral and non-polar, at codon 290 of the FOXC1 protein (p.Ser290Phe). In summary, the available evidence is currently insufficient to determine the role of this variant in disease. Therefore, it has been classified as a Variant of Uncertain Significance. Algorithms developed to predict the effect of missense changes on protein structure and function are either unavailable or do not agree on the potential impact of this missense change (SIFT: "Deleterious"; PolyPhen-2: "Benign"; Align-GVGD: "Class C0").

NM_001453.3(FOXC1):c.869C>T (p.Ser290Phe)

Gene: FOXC1 (forkhead box C1; plus strand). Cytogenetic location: 6p25.3.
Variant type: single nucleotide variant.
Coding change: c.869C>T on transcript NM_001453.3 (MANE Select); coding-DNA position 869, C replaced by T.
Protein change: p.Ser290Phe; replaces serine 290 with phenylalanine.
Molecular consequence: missense variant.
Genome position (GRCh38, 1-based): chr6:1,611,314, C>T. VCF-style: chr6-1611314-C-T. GRCh37 (hg19) VCF-style: chr6-1611549-C-T.
Other names: c.869C>T (NM_001453.2); short protein forms S290F.
Identifiers: ClinVar variation 1351505 (VCV001351505.13), dbSNP rs775681400, ClinGen allele CA3614830.